The following is an entry in ClinVar:

ClinVar aggregate classification (germline): Uncertain significance (1 of 4 stars; one submission).

Conditions:
Immunodeficiency 91 and hyperinflammation. Identifiers: MedGen C5562073, MONDO:0030491, OMIM 619644.

Allele frequency attached by ClinVar (database versions not stated): ExAC 0.00001; gnomAD 0.00001; gnomAD exomes 0.00001; TOPMed 0.00001.
gnomAD v4.1: 9 of 1,614,124 alleles (0.00056%); highest among the groups gnomAD compares: Admixed American, 0.0017%; no homozygotes.

Submission:

Laboratorio de Genetica e Diagnostico Molecular, Hospital Israelita Albert Einstein
Classification: Uncertain significance for Immunodeficiency 91 and hyperinflammation. Last evaluated: 2023-02-03. Review status: criteria provided, single submitter. Criteria: ACMG Guidelines, 2015. Collection method: clinical testing. Allele origin: germline. Affected: yes. Observed: 1 variant allele.
Comment: ACMG classification criteria: PM2 moderated

NM_021035.3(ZNFX1):c.3557A>G (p.Lys1186Arg)

Gene: ZNFX1 (zinc finger NFX1-type containing 1; minus strand). Cytogenetic location: 20q13.13.
Variant type: single nucleotide variant.
Coding change: c.3557A>G on transcript NM_021035.3 (MANE Select); coding-DNA position 3557, A replaced by G.
Protein change: p.Lys1186Arg; replaces lysine 1186 with arginine.
Molecular consequence: missense variant.
Genome position (GRCh38, 1-based): chr20:49,249,467, T>C on the plus strand (A>G on the coding strand, the complement: ZNFX1 is on the minus strand). VCF-style: chr20-49249467-T-C. GRCh37 (hg19) VCF-style: chr20-47866004-T-C.
Other names: short protein forms K1186R.
Identifiers: ClinVar variation 2431749 (VCV002431749.1), dbSNP rs749091821, ClinGen allele CA9902022.